The following is an entry in ClinVar:

NM_001161352.2(KCNMA1):c.1571_1573dup (p.Gln524_Met525insLys)

Gene: KCNMA1 (potassium calcium-activated channel subfamily M alpha 1; minus strand). Cytogenetic location: 10q22.3.
Variant type: Duplication.
Coding change: c.1571_1573dup on transcript NM_001161352.2 (MANE Select); coding-DNA positions 1571 to 1573, 3 bases duplicated (AAA; older notation c.1571_1573dupAAA).
Protein change: p.Gln524_Met525insLys.
Genome position (GRCh38, 1-based): chr10:77,079,501-77,079,503, TTT duplicated on the plus strand (AAA on the coding strand, the reverse complement: KCNMA1 is on the minus strand). VCF-style (leftmost placement, unchanged base first): chr10-77079500-A-ATTT. GRCh37 (hg19) VCF-style: chr10-78839258-A-ATTT.
Other names: c.1571_1573dup, p.Gln524_Met525insLys (NM_001014797.3, NM_001161353.2, NM_001271519.2 and 8 more transcripts); c.1409_1411dup, p.Gln470_Met471insLys (NM_001271518.2); c.1031_1033dup, p.Gln344_Met345insLys (NM_001322838.2).
Identifiers: ClinVar variation 3767661 (VCV003767661.1).

ClinVar aggregate classification (germline): Uncertain significance (1 of 4 stars; one submission).

Submission:

GeneDx
Classification: Uncertain significance. Last evaluated: 2024-09-06. Review status: criteria provided, single submitter. Criteria: GeneDx Variant Classification Process June 2021. Collection method: clinical testing. Allele origin: germline. Affected: yes.
Comment: In-frame insertion of 1 amino acid in a non-repeat region; Not observed at significant frequency in large population cohorts (gnomAD); Has not been previously published as pathogenic or benign to our knowledge